The following is an entry in ClinVar:

ClinVar aggregate classification (germline): Benign (1 of 4 stars; one submission).

Conditions:
Parietal foramina 2 (PFM2). Identifiers: Orphanet 60015, MedGen C1865044, MONDO:0012309, OMIM 609597.

Allele frequency attached by ClinVar (database versions not stated): gnomAD 0.00822 and 0.00875; 1000 Genomes Project 30x 0.00828; 1000 Genomes Project 0.00879; TOPMed 0.00924.
gnomAD v4.1: 1,240 of 152,482 alleles (0.81%); highest among the groups gnomAD compares: African/African-American, 2.8%; 28 homozygotes.

Submission:

Illumina Laboratory Services, Illumina
Classification: Benign for Parietal foramina 2. Last evaluated: 2018-01-13. Review status: criteria provided, single submitter. Criteria: ICSL Variant Classification Criteria 13 December 2019. Collection method: clinical testing. Allele origin: germline.
Comment: This variant was observed in the ICSL laboratory as part of a predisposition screen in an ostensibly healthy population. It had not been previously curated by ICSL or reported in the Human Gene Mutation Database (HGMD: prior to June 1st, 2018), and was therefore a candidate for classification through an automated scoring system. Utilizing variant allele frequency, disease prevalence and penetrance estimates, and inheritance mode, an automated score was calculated to assess if this variant is too frequent to cause the disease. Based on the score and internal cut-off values, a variant classified as benign is not then subjected to further curation. The score for this variant resulted in a classification of benign for this disease.

NM_021926.4(ALX4):c.*902G>A

Gene: ALX4 (ALX homeobox 4; minus strand). Cytogenetic location: 11p11.2.
Variant type: single nucleotide variant.
Coding change: c.*902G>A on transcript NM_021926.4 (MANE Select); 902 bases downstream of the stop codon, G replaced by A.
Molecular consequence: 3 prime UTR variant.
Genome position (GRCh38, 1-based): chr11:44,263,952, C>T on the plus strand (G>A on the coding strand, the complement: ALX4 is on the minus strand). VCF-style: chr11-44263952-C-T. GRCh37 (hg19) VCF-style: chr11-44285502-C-T.
Other names: c.*902G>A (LRG_1256t1).
Identifiers: ClinVar variation 304679 (VCV000304679.5), dbSNP rs76229477, ClinGen allele CA10630891.